The following is an entry in ClinVar:

ClinVar aggregate classification (germline): Uncertain significance (1 of 4 stars; one submission).

Submission:

Labcorp Genetics (formerly Invitae), Labcorp
Classification: Uncertain significance. Last evaluated: 2022-12-05. Review status: criteria provided, single submitter. Criteria: Invitae Variant Classification Sherloc (09022015). Collection method: clinical testing. Allele origin: germline.
Comment: This variant has not been reported in the literature in individuals affected with ATP6V1A-related conditions. In summary, the available evidence is currently insufficient to determine the role of this variant in disease. Therefore, it has been classified as a Variant of Uncertain Significance. Advanced modeling of protein sequence and biophysical properties (such as structural, functional, and spatial information, amino acid conservation, physicochemical variation, residue mobility, and thermodynamic stability) performed at Invitae indicates that this missense variant is not expected to disrupt ATP6V1A protein function. This variant is not present in population databases (gnomAD no frequency). This sequence change replaces isoleucine, which is neutral and non-polar, with leucine, which is neutral and non-polar, at codon 570 of the ATP6V1A protein (p.Ile570Leu).

NM_001690.4(ATP6V1A):c.1708A>C (p.Ile570Leu)

Gene: ATP6V1A (ATPase H+ transporting V1 subunit A; plus strand). Cytogenetic location: 3q13.31.
Variant type: single nucleotide variant.
Coding change: c.1708A>C on transcript NM_001690.4 (MANE Select); coding-DNA position 1708, A replaced by C.
Protein change: p.Ile570Leu; replaces isoleucine 570 with leucine.
Molecular consequence: missense variant.
Genome position (GRCh38, 1-based): chr3:113,805,472, A>C. VCF-style: chr3-113805472-A-C. GRCh37 (hg19) VCF-style: chr3-113524319-A-C.
Other names: short protein forms I570L.
Identifiers: ClinVar variation 2818752 (VCV002818752.3), dbSNP rs2549727779, ClinGen allele CA353993906.